The following is an entry in ClinVar:

ClinVar aggregate classification (germline): Uncertain significance (1 of 4 stars; one submission).

Submission:

Labcorp Genetics (formerly Invitae), Labcorp
Classification: Uncertain significance. Last evaluated: 2022-12-04. Review status: criteria provided, single submitter. Criteria: Invitae Variant Classification Sherloc (09022015). Collection method: clinical testing. Allele origin: germline.
Comment: In summary, the available evidence is currently insufficient to determine the role of this variant in disease. Therefore, it has been classified as a Variant of Uncertain Significance. Advanced modeling of protein sequence and biophysical properties (such as structural, functional, and spatial information, amino acid conservation, physicochemical variation, residue mobility, and thermodynamic stability) performed at Invitae indicates that this missense variant is not expected to disrupt DNA2 protein function. This variant has not been reported in the literature in individuals affected with DNA2-related conditions. This variant is not present in population databases (gnomAD no frequency). This sequence change replaces threonine, which is neutral and polar, with serine, which is neutral and polar, at codon 558 of the DNA2 protein (p.Thr558Ser).

NM_001080449.3(DNA2):c.1673C>G (p.Thr558Ser)

Gene: DNA2 (DNA replication helicase/nuclease 2; minus strand). Cytogenetic location: 10q21.3.
Variant type: single nucleotide variant.
Coding change: c.1673C>G on transcript NM_001080449.3 (MANE Select); coding-DNA position 1673, C replaced by G.
Protein change: p.Thr558Ser; replaces threonine 558 with serine.
Molecular consequence: missense variant. On other transcripts: non-coding transcript variant (1).
Genome position (GRCh38, 1-based): chr10:68,432,484, G>C on the plus strand (C>G on the coding strand, the complement: DNA2 is on the minus strand). VCF-style: chr10-68432484-G-C. GRCh37 (hg19) VCF-style: chr10-70192241-G-C.
Other names: short protein forms T558S.
Identifiers: ClinVar variation 2818638 (VCV002818638.3), dbSNP rs762001014, ClinGen allele CA376858141.